The following is an entry in ClinVar:

ClinVar aggregate classification (germline): Uncertain significance (1 of 4 stars; one submission).

Conditions:
Nephronophthisis. Also called: Juvenile Nephronophthisis. Identifiers: Orphanet 655, MedGen C0687120, MONDO:0019005, HP:0000090.

Submission:

Labcorp Genetics (formerly Invitae), Labcorp
Classification: Uncertain significance for Nephronophthisis. Last evaluated: 2021-05-08. Review status: criteria provided, single submitter. Criteria: Invitae Variant Classification Sherloc (09022015). Collection method: clinical testing. Allele origin: germline.
Comment: In summary, the available evidence is currently insufficient to determine the role of this variant in disease. Therefore, it has been classified as a Variant of Uncertain Significance. Algorithms developed to predict the effect of missense changes on protein structure and function are either unavailable or do not agree on the potential impact of this missense change (SIFT: "Deleterious"; PolyPhen-2: "Possibly Damaging"; Align-GVGD: "Class C0"). This variant has not been reported in the literature in individuals with NPHP3-related conditions. This variant is present in population databases (rs368008794, ExAC 0.01%). This sequence change replaces glycine with alanine at codon 505 of the NPHP3 protein (p.Gly505Ala). The glycine residue is highly conserved and there is a small physicochemical difference between glycine and alanine.

NM_153240.5(NPHP3):c.1514G>C (p.Gly505Ala)

Genes: NPHP3 (nephrocystin 3; minus strand), NPHP3-ACAD11 (NPHP3-ACAD11 readthrough (NMD candidate); minus strand). Cytogenetic location: 3q22.1.
Variant type: single nucleotide variant.
Coding change: c.1514G>C on transcript NM_153240.5 (MANE Select); coding-DNA position 1514, G replaced by C.
Protein change: p.Gly505Ala; replaces glycine 505 with alanine.
Molecular consequence: missense variant. On other transcripts: non-coding transcript variant (1).
Genome position (GRCh38, 1-based): chr3:132,704,208, C>G on the plus strand (G>C on the coding strand, the complement: NPHP3 is on the minus strand). VCF-style: chr3-132704208-C-G. GRCh37 (hg19) VCF-style: chr3-132423052-C-G.
Other names: short protein forms G505A.
Identifiers: ClinVar variation 1498133 (VCV001498133.8), dbSNP rs368008794, ClinGen allele CA2622289.
Genomic context (GRCh38, chr3:132,704,208, plus strand): 5'-GCCTTTAAGTGGTGACAGATCTTTGTTGCAATAATACTCCAAGCACTTACTTTCTCAAAT[C>G]CCAACTCATGGGCTGAATTAGAAGCCTGCTGAAAAGTTTCCATTTGCTCTTGTTCATCAT-3'
Protein context (NP_694972.3, residues 495-515): QQASNSAHEL[Gly505Ala]FEKYYQRLND